The following is an entry in ClinVar:

ClinVar aggregate classification (germline): Uncertain significance (1 of 4 stars; one submission).

Conditions:
Werner syndrome (WRN). Identifiers: Orphanet 902, MedGen C0043119, MONDO:0010196, OMIM 277700.

Allele frequency attached by ClinVar (database versions not stated): gnomAD exomes below 0.00001.

Submission:

Labcorp Genetics (formerly Invitae), Labcorp
Classification: Uncertain significance for Werner syndrome. Last evaluated: 2022-08-09. Review status: criteria provided, single submitter. Criteria: Invitae Variant Classification Sherloc (09022015). Collection method: clinical testing. Allele origin: germline.
Comment: This sequence change replaces methionine, which is neutral and non-polar, with isoleucine, which is neutral and non-polar, at codon 1038 of the WRN protein (p.Met1038Ile). This variant is not present in population databases (gnomAD no frequency). This variant has not been reported in the literature in individuals affected with WRN-related conditions. ClinVar contains an entry for this variant (Variation ID: 937721). Algorithms developed to predict the effect of missense changes on protein structure and function output the following: SIFT: "Not Available"; PolyPhen-2: "Benign"; Align-GVGD: "Not Available". The isoleucine amino acid residue is found in multiple mammalian species, which suggests that this missense change does not adversely affect protein function. In summary, the available evidence is currently insufficient to determine the role of this variant in disease. Therefore, it has been classified as a Variant of Uncertain Significance.

NM_000553.6(WRN):c.3114G>A (p.Met1038Ile)

Gene: WRN (WRN RecQ like helicase; plus strand). Cytogenetic location: 8p12.
Variant type: single nucleotide variant.
Coding change: c.3114G>A on transcript NM_000553.6 (MANE Select); coding-DNA position 3114, G replaced by A.
Protein change: p.Met1038Ile; replaces methionine 1038 with isoleucine.
Molecular consequence: missense variant.
Genome position (GRCh38, 1-based): chr8:31,141,576, G>A. VCF-style: chr8-31141576-G-A. GRCh37 (hg19) VCF-style: chr8-30999092-G-A.
Other names: short protein forms M1038I.
Identifiers: ClinVar variation 937721 (VCV000937721.6), dbSNP rs1802634948, ClinGen allele CA370922483.